The following is an entry in ClinVar:

ClinVar aggregate classification (germline): Pathogenic (1 of 4 stars; one submission).

Conditions:
DYRK1A-related intellectual disability syndrome (MRD7). Also called: DYRK1A Syndrome; Intellectual developmental disorder, autosomal dominant 7. Identifiers: Orphanet 464306, MedGen C5568143, MONDO:0013578, OMIM 614104.

Submission:

Labcorp Genetics (formerly Invitae), Labcorp
Classification: Pathogenic for DYRK1A-related intellectual disability syndrome. Last evaluated: 2023-07-17. Review status: criteria provided, single submitter. Criteria: Invitae Variant Classification Sherloc (09022015). Collection method: clinical testing. Allele origin: germline.
Comment: For these reasons, this variant has been classified as Pathogenic. ClinVar contains an entry for this variant (Variation ID: 2001129). This variant has not been reported in the literature in individuals affected with DYRK1A-related conditions. This variant is not present in population databases (gnomAD no frequency). This sequence change creates a premature translational stop signal (p.Glu430Trpfs*22) in the DYRK1A gene. It is expected to result in an absent or disrupted protein product. Loss-of-function variants in DYRK1A are known to be pathogenic (PMID: 25944381).

Literature cited by the submitters: PubMed 25944381.

NM_001347721.2(DYRK1A):c.1259_1260dup (p.Glu421fs)

Gene: DYRK1A (dual specificity tyrosine phosphorylation regulated kinase 1A; plus strand). Cytogenetic location: 21q22.13.
Variant type: Duplication.
Coding change: c.1259_1260dup on transcript NM_001347721.2 (MANE Select); coding-DNA positions 1259 to 1260, 2 bases duplicated (TG; older notation c.1259_1260dupTG).
Protein change: p.Glu421fs; shifts the reading frame from glutamic acid 421.
Molecular consequence: frameshift variant.
Genome position (GRCh38, 1-based): chr21:37,505,329-37,505,330, TG duplicated; duplicating any 2 consecutive bases within chr21:37,505,328-37,505,330 gives the same sequence; the c. name uses the placement nearest the transcript's 3' end. VCF-style (leftmost placement, unchanged base first): chr21-37505327-A-AGT. GRCh37 (hg19) VCF-style: chr21-38877630-A-AGT.
Other names: c.1259_1260dup, p.Glu421fs (NM_001347722.2, NM_130436.2); c.1172_1173dup, p.Glu392fs (NM_001347723.2); c.1286_1287dup, p.Glu430fs (NM_001396.5, NM_101395.2, NM_130438.2); short protein forms E392fs, E430fs, E421fs.
Identifiers: ClinVar variation 2001129 (VCV002001129.4), dbSNP rs2518073750, ClinGen allele CA2580098690.
Genomic context (GRCh38, chr21:37,505,327, plus strand): 5'-ATCTTCTCTCTTACAGGAGTACAAACCACCAGGAACCCGTAAACTTCATAACATTCTTGG[A>AGT]GTGGAAACAGGAGGACCTGGTGGGCGACGTGCTGGGGAGTCAGGTCATACGGTCGCTGAC-3'